The following is an entry in ClinVar:

NM_005061.3(RPL3L):c.34G>A (p.Gly12Arg)

Gene: RPL3L (ribosomal protein L3 like; minus strand). Cytogenetic location: 16p13.3.
Variant type: single nucleotide variant.
Coding change: c.34G>A on transcript NM_005061.3 (MANE Select); coding-DNA position 34, G replaced by A.
Protein change: p.Gly12Arg; replaces glycine 12 with arginine.
Molecular consequence: missense variant.
Genome position (GRCh38, 1-based): chr16:1,954,118, C>T on the plus strand (G>A on the coding strand, the complement: RPL3L is on the minus strand). VCF-style: chr16-1954118-C-T. GRCh37 (hg19) VCF-style: chr16-2004119-C-T.
Other names: short protein forms G12R.
Identifiers: ClinVar variation 3024772 (VCV003024772.22), dbSNP rs146294352, ClinGen allele CA7823122.

ClinVar aggregate classification (germline): Likely benign (1 of 4 stars; one submission).

Allele frequency attached by ClinVar (database versions not stated): 1000 Genomes Project 30x 0.00125; 1000 Genomes Project 0.00140; gnomAD 0.00243; TOPMed 0.00247; ESP Exome Variant Server 0.00278; gnomAD exomes 0.00384; ExAC 0.00468.
gnomAD v4.1: 5,903 of 1,596,522 alleles (0.37%); highest among the groups gnomAD compares: Middle Eastern, 0.72%; 20 homozygotes.

Submission:

CeGaT Center for Human Genetics Tuebingen
Classification: Likely benign. Last evaluated: 2025-10-01. Review status: criteria provided, single submitter. Criteria: CeGaT Center For Human Genetics Tuebingen Variant Classification Criteria Version 2. Collection method: clinical testing. Allele origin: germline. Affected: yes. Observed: 3 variant alleles.
Comment: RPL3L: BS2